The following is an entry in ClinVar:

ClinVar aggregate classification (germline): Likely benign. Review status: criteria provided, multiple submitters, no conflicts (2 of 4 stars). 2 submissions from 2 submitters: Likely benign (2). Last evaluated 2026-05-21.

Conditions:
Charcot-Marie-Tooth disease dominant intermediate B (CMTDIB). Also called: CHARCOT-MARIE-TOOTH NEUROPATHY, DOMINANT INTERMEDIATE B; Charcot-Marie-Tooth disease dominant intermediate 1; CMT DI1; Charcot-Marie-Tooth disease dominant intermediate I. Identifiers: Orphanet 100044, Orphanet 228179, MedGen C1847902, MONDO:0011674, OMIM 606482.
DNM2-related disorder. Also called: DNM2-related condition.

Allele frequency attached by ClinVar (database versions not stated): gnomAD exomes below 0.00001 and 0.00001; gnomAD 0.00001; TOPMed 0.00002.
gnomAD v4.1: 4 of 1,612,280 alleles (0.00025%); highest among the groups gnomAD compares: Admixed American, 0.0033%; no homozygotes.

Submissions (2):

PreventionGenetics, part of Exact Sciences
Classification: Likely benign for DNM2-related condition. Last evaluated: 2026-05-21. Review status: criteria provided, single submitter. Criteria: ACMG Guidelines, 2015. Collection method: clinical testing. Allele origin: germline.
Comment: This variant is classified as likely benign based on ACMG/AMP sequence variant interpretation guidelines (Richards et al. 2015 PMID: 25741868, with internal and published modifications).

Labcorp Genetics (formerly Invitae), Labcorp
Classification: Likely benign for Charcot-Marie-Tooth disease dominant intermediate B. Last evaluated: 2024-05-15. Review status: criteria provided, single submitter. Criteria: Invitae Variant Classification Sherloc (09022015). Collection method: clinical testing. Allele origin: germline.

NM_001005361.3(DNM2):c.1554C>T (p.Ile518=)

Gene: DNM2 (dynamin 2; plus strand). Cytogenetic location: 19p13.2.
Variant type: single nucleotide variant.
Coding change: c.1554C>T on transcript NM_001005361.3 (MANE Select); coding-DNA position 1554, C replaced by T.
Protein change: p.Ile518=; no amino-acid change (isoleucine 518 retained).
Molecular consequence: synonymous variant. On other transcripts: intron variant (2).
Genome position (GRCh38, 1-based): chr19:10,808,577, C>T. VCF-style: chr19-10808577-C-T. GRCh37 (hg19) VCF-style: chr19-10919253-C-T.
Other names: c.1554C>T, p.Ile518= (NM_001005360.3, NM_001190716.2); c.1545+2610C>T (NM_004945.4, NM_001005362.3); c.1554C>T (NM_001005360.2).
Identifiers: ClinVar variation 1142896 (VCV001142896.10), dbSNP rs1392112344, ClinGen allele CA505490203.